The following is an entry in ClinVar:

ClinVar aggregate classification (germline): Uncertain significance (1 of 4 stars; one submission).

Conditions:
Anemia, nonspherocytic hemolytic, due to G6PD deficiency (CNSHA1). Also called: Hemolytic anemia due to G6PD deficiency; ANEMIA, CONGENITAL, NONSPHEROCYTIC HEMOLYTIC, 1; Class I glucose-6-phosphate dehydrogenase deficiency; Favism, susceptibility to. Identifiers: Orphanet 466026, MedGen C2720289, MONDO:0010480, OMIM 300908.

gnomAD v4.1: 1 of 1,211,398 alleles (0.000083%); no homozygotes.

Submission:

Labcorp Genetics (formerly Invitae), Labcorp
Classification: Uncertain significance for Anemia, nonspherocytic hemolytic, due to G6PD deficiency. Last evaluated: 2025-09-02. Review status: criteria provided, single submitter. Criteria: Invitae Variant Classification Sherloc (09022015). Collection method: clinical testing. Allele origin: germline.
Comment: This sequence change replaces aspartic acid, which is acidic and polar, with asparagine, which is neutral and polar, at codon 30 of the G6PD protein (p.Asp30Asn). This variant is not present in population databases (gnomAD no frequency). This variant has not been reported in the literature in individuals affected with G6PD-related conditions. ClinVar contains an entry for this variant (Variation ID: 2118562). Invitae Evidence Modeling of protein sequence and biophysical properties (such as structural, functional, and spatial information, amino acid conservation, physicochemical variation, residue mobility, and thermodynamic stability) has been performed for this missense variant. However, the output from this modeling did not meet the statistical confidence thresholds required to predict the impact of this variant on G6PD protein function. In summary, the available evidence is currently insufficient to determine the role of this variant in disease. Therefore, it has been classified as a Variant of Uncertain Significance.

NM_001360016.2(G6PD):c.88G>A (p.Asp30Asn)

Genes: G6PD (glucose-6-phosphate dehydrogenase; minus strand), IKBKG (inhibitor of nuclear factor kappa B kinase regulatory subunit gamma; plus strand). Cytogenetic location: Xq28.
Variant type: single nucleotide variant.
Coding change: c.88G>A on transcript NM_001360016.2 (MANE Select); coding-DNA position 88, G replaced by A.
Protein change: p.Asp30Asn; replaces aspartic acid 30 with asparagine.
Molecular consequence: missense variant. On other transcripts: intron variant (4).
Genome position (GRCh38, 1-based): chrX:154,546,068, C>T on the plus strand (G>A on the coding strand, the complement: G6PD is on the minus strand). VCF-style: chrX-154546068-C-T. GRCh37 (hg19) VCF-style: chrX-153774283-C-T.
Other names: c.178G>A, p.Asp60Asn (NM_000402.4); c.88G>A, p.Asp30Asn (NM_001042351.3); c.-16+4677C>T (NM_001377312.1, NM_001377313.1); c.189+3616C>T (NM_001099856.6); c.-16+3681C>T (NM_001321396.3); short protein forms D60N, D30N.
Identifiers: ClinVar variation 2118562 (VCV002118562.4), dbSNP rs367607992, ClinGen allele CA337292997.
Genomic context (GRCh38, chrX:154,546,068, plus strand): 5'-TTAAGATTGGGGCCTGGGAGATACTCACCGATGCACCCATGATGATGAATATGTGTGTAT[C>T]CGACTGATGGAAGGCATCGCCCTGGAAAAGCTCTTCCCGCAGGATCCCGCACACCTGGGT-3'
Protein context (NP_001346945.1, residues 20-40): LFQGDAFHQS[Asp30Asn]THIFIIMGAS